The following is an entry in ClinVar:

ClinVar aggregate classification (germline): Benign. Review status: criteria provided, multiple submitters, no conflicts (2 of 4 stars). 13 submissions from 12 submitters: Benign (9). 4 of the submissions do not count toward it. Last evaluated 2026-02-04.

Conditions:
Autosomal dominant nonsyndromic hearing loss 20. Identifiers: Orphanet 90635, MedGen C1858172, MONDO:0011480, OMIM 604717.
Baraitser-winter syndrome 2. Identifiers: Orphanet 2995, MedGen C3281235, MONDO:0013812, OMIM 614583.

Allele frequency attached by ClinVar (database versions not stated): TOPMed 0.74849; 1000 Genomes Project 30x 0.75172; ESP Exome Variant Server 0.75457; 1000 Genomes Project 0.75619; gnomAD 0.75861 and 0.76073; gnomAD exomes 0.78802 and 0.80571; ExAC 0.79022.
gnomAD v4.1: 1,292,919 of 1,613,832 alleles (80%); highest among the groups gnomAD compares: East Asian, 83%; 519,901 homozygotes.

Submissions (13):

Labcorp Genetics (formerly Invitae), Labcorp
Classification: Benign for Baraitser-winter syndrome 2; Autosomal dominant nonsyndromic hearing loss 20. Last evaluated: 2026-02-04. Review status: criteria provided, single submitter. Criteria: Invitae Variant Classification Sherloc (09022015). Collection method: clinical testing. Allele origin: germline.

Blueprint Genetics
Classification: Benign. Last evaluated: 2024-11-28. Review status: criteria provided, single submitter. Criteria: ACMG Guidelines, 2015. Collection method: clinical testing. Allele origin: germline.

ARUP Laboratories, Molecular Genetics and Genomics, ARUP Laboratories
Classification: Benign. Last evaluated: 2023-11-29. Review status: criteria provided, single submitter. Criteria: ARUP Molecular Germline Variant Investigation Process 2024. Collection method: clinical testing. Allele origin: germline.

Mayo Clinic Laboratories, Mayo Clinic
Classification: Benign. Last evaluated: 2022-04-26. Review status: criteria provided, single submitter. Criteria: ACMG Guidelines, 2015. Collection method: clinical testing. Allele origin: germline. Observed: 293 variant alleles.

Genome-Nilou Lab
Classification: Benign for Baraitser-winter syndrome 2. Last evaluated: 2021-07-14. Review status: criteria provided, single submitter. Criteria: ACMG Guidelines, 2015. Collection method: clinical testing. Allele origin: germline. Affected: no.

Genome-Nilou Lab
Classification: Benign for Autosomal dominant nonsyndromic hearing loss 20. Last evaluated: 2021-07-14. Review status: criteria provided, single submitter. Criteria: ACMG Guidelines, 2015. Collection method: clinical testing. Allele origin: germline. Affected: no.

GeneDx
Classification: Benign. Last evaluated: 2015-10-15. Review status: criteria provided, single submitter. Criteria: GeneDx Variant Classification (06012015). Collection method: clinical testing. Allele origin: germline. Affected: yes.
Comment: This variant is considered likely benign or benign based on one or more of the following criteria: it is a conservative change, it occurs at a poorly conserved position in the protein, it is predicted to be benign by multiple in silico algorithms, and/or has population frequency not consistent with disease.

Laboratory for Molecular Medicine, Mass General Brigham Personalized Medicine
Classification: Benign. Last evaluated: 2012-05-07. Review status: criteria provided, single submitter. Criteria: LMM Criteria. Collection method: clinical testing. Allele origin: germline. Observed: 1,584 variant alleles.
Comment: "Tyr306Tyr in Exon 05 of ACTG1: This variant is not expected to have clinical si gnificance because it does not alter an amino acid residue, is not located withi n the splice consensus sequence, and has been identified in 35.7% (1333/3738) of African American chromosomes from a broad population by the NHLBI Exome Sequenc ing Project (dbSNP rs1139405)."

Breakthrough Genomics
Classification: Benign. Review status: criteria provided, single submitter. Criteria: ACMG Guidelines, 2015. Collection method: not provided. Allele origin: germline. Inheritance: Autosomal dominant inheritance. Affected: yes.

Clinical Genetics DNA and cytogenetics Diagnostics Lab, Erasmus MC, Erasmus Medical Center
Classification: Benign. Review status: no assertion criteria provided. Collection method: clinical testing. Allele origin: germline. Affected: yes. Study: VKGL Data-share Consensus. Not counted in ClinVar's aggregate classification.

Diagnostic Laboratory, Department of Genetics, University Medical Center Groningen
Classification: Benign. Review status: no assertion criteria provided. Collection method: clinical testing. Allele origin: germline. Affected: yes. Study: VKGL Data-share Consensus. Not counted in ClinVar's aggregate classification.

Genetic Services Laboratory, University of Chicago
Classification: Likely benign for AllHighlyPenetrant. Review status: no assertion criteria provided. Collection method: clinical testing. Allele origin: germline. Inheritance: Autosomal recessive inheritance. Not counted in ClinVar's aggregate classification.
Comment: Likely benign based on allele frequency in 1000 Genomes Project or ESP global frequency and its presence in a patient with a rare or unrelated disease phenotype. NOT Sanger confirmed.

Joint Genome Diagnostic Labs from Nijmegen and Maastricht, Radboudumc and MUMC+
Classification: Benign. Review status: no assertion criteria provided. Collection method: clinical testing. Allele origin: germline. Affected: yes. Study: VKGL Data-share Consensus. Not counted in ClinVar's aggregate classification.

NM_001614.5(ACTG1):c.918C>T (p.Tyr306=)

Gene: ACTG1 (actin gamma 1; minus strand). Cytogenetic location: 17q25.3.
Variant type: single nucleotide variant.
Coding change: c.918C>T on transcript NM_001614.5 (MANE Select); coding-DNA position 918, C replaced by T.
Protein change: p.Tyr306=; no amino-acid change (tyrosine 306 retained).
Molecular consequence: synonymous variant. On other transcripts: non-coding transcript variant (1).
Genome position (GRCh38, 1-based): chr17:81,510,993, G>A on the plus strand (C>T on the coding strand, the complement: ACTG1 is on the minus strand). VCF-style: chr17-81510993-G-A. GRCh37 (hg19) VCF-style: chr17-79478019-G-A.
Other names: p.Tyr306=; c.918C>T, p.Tyr306= (NM_001199954.3).
Identifiers: ClinVar variation 44150 (VCV000044150.76), dbSNP rs1139405, ClinGen allele CA133679.
Genomic context (GRCh38, chr17:81,510,993, plus strand): 5'-CTTCATGGTGCTGGGCGCCAGGGCGGTGATCTCCTTCTGCATCCTGTCGGCAATGCCCGG[G>A]TACATGGTGGTGCCGCCCGACAGCACCGTGTTGGCGTACAGGTCTTTGCGGATGTCCACG-3'
Protein context (NP_001605.1, residues 296-316): NTVLSGGTTM[Tyr306=]PGIADRMQKE